The following is an entry in ClinVar:

ClinVar aggregate classification (germline): Uncertain significance. Review status: criteria provided, multiple submitters, no conflicts (2 of 4 stars). 2 submissions from 2 submitters: Uncertain significance (2). Last evaluated 2025-12-17.

Conditions:
Familial adenomatous polyposis 1 (FAP1). Also called: FAMILIAL ADENOMATOUS POLYPOSIS 1, ATTENUATED; POLYPOSIS, ADENOMATOUS INTESTINAL. Identifiers: MedGen C2713442, MONDO:0021056, OMIM 175100. Disease mechanism: loss of function.

Allele frequency attached by ClinVar (database versions not stated): TOPMed 0.00001; gnomAD exomes 0.00001.
gnomAD v4.1: 17 of 1,368,460 alleles (0.0012%); highest among the groups gnomAD compares: Admixed American, 0.0065%; no homozygotes.

Submissions (2):

Labcorp Genetics (formerly Invitae), Labcorp
Classification: Uncertain significance for Familial adenomatous polyposis 1. Last evaluated: 2025-12-17. Review status: criteria provided, single submitter. Criteria: Invitae Variant Classification Sherloc (09022015). Collection method: clinical testing. Allele origin: germline.
Comment: This variant occurs in a non-coding region of the APC gene. It does not change the encoded amino acid sequence of the APC protein. This variant is present in population databases (no rsID available, gnomAD 0.004%). This variant has not been reported in the literature in individuals affected with APC-related conditions. ClinVar contains an entry for this variant (Variation ID: 537613). Experimental studies and prediction algorithms are not available or were not evaluated, and the functional significance of this variant is currently unknown. In summary, the available evidence is currently insufficient to determine the role of this variant in disease. Therefore, it has been classified as a Variant of Uncertain Significance.

Breakthrough Genomics
Classification: Uncertain significance. Review status: criteria provided, single submitter. Criteria: ACMG Guidelines, 2015. Collection method: not provided. Allele origin: germline. Inheritance: Autosomal dominant inheritance. Affected: yes.

NM_001127511.3(APC):c.163C>A (p.Gln55Lys)

Gene: APC (APC regulator of Wnt signaling pathway; plus strand). Cytogenetic location: 5q22.2.
Variant type: single nucleotide variant.
Coding change: c.163C>A on transcript NM_001127511.3; coding-DNA position 163, C replaced by A.
Protein change: p.Gln55Lys; replaces glutamine 55 with lysine.
Molecular consequence: missense variant. On other transcripts: 5 prime UTR variant (8), non-coding transcript variant (1), intron variant (5).
Genome position (GRCh38, 1-based): chr5:112,707,880, C>A. VCF-style: chr5-112707880-C-A. GRCh37 (hg19) VCF-style: chr5-112043577-C-A.
Other names: c.-21C>A (NM_001354895.2, NM_001407447.1, NM_001407452.1 and 3 more transcripts); c.163C>A, p.Gln55Lys (NM_001354897.2, NM_001354902.2, NM_001407446.1); c.-1056C>A (NM_001407470.1, NM_001407472.1); c.-19+231C>A (NM_001407448.1, NM_001407450.1, NM_001407457.1 and 1 more transcripts); c.-43+231C>A (NM_001407453.1); short protein forms Q55K.
Identifiers: ClinVar variation 537613 (VCV000537613.9), dbSNP rs1312050427, ClinGen allele CA360612224.